The following is an entry in ClinVar:

NM_004370.6(COL12A1):c.5470T>C (p.Ser1824Pro)

Gene: COL12A1 (collagen type XII alpha 1 chain; minus strand). Cytogenetic location: 6q13.
Variant type: single nucleotide variant.
Coding change: c.5470T>C on transcript NM_004370.6 (MANE Select); coding-DNA position 5470, T replaced by C.
Protein change: p.Ser1824Pro; replaces serine 1824 with proline.
Molecular consequence: missense variant.
Genome position (GRCh38, 1-based): chr6:75,134,780, A>G on the plus strand (T>C on the coding strand, the complement: COL12A1 is on the minus strand). VCF-style: chr6-75134780-A-G. GRCh37 (hg19) VCF-style: chr6-75844496-A-G.
Other names: c.1978T>C, p.Ser660Pro (NM_080645.3, NM_001424116.1); c.5470T>C, p.Ser1824Pro (NM_001424113.1); c.5449T>C, p.Ser1817Pro (NM_001424114.1); c.5197T>C, p.Ser1733Pro (NM_001424115.1); short protein forms S1817P, S1733P, S1824P, S660P.
Identifiers: ClinVar variation 4783407 (VCV004783407.1).

ClinVar aggregate classification (germline): Uncertain significance (1 of 4 stars; one submission).

Conditions:
Ullrich congenital muscular dystrophy 2 (UCMD2). Identifiers: Orphanet 75840, MedGen C4225314, MONDO:0014654, OMIM 616470.
Bethlem myopathy 2 (BTHLM2). Identifiers: Orphanet 536516, Orphanet 610, MedGen C4225313, MONDO:0034022, OMIM 616471.

Submission:

Labcorp Genetics (formerly Invitae), Labcorp
Classification: Uncertain significance for Bethlem myopathy 2; Ullrich congenital muscular dystrophy 2. Last evaluated: 2025-04-09. Review status: criteria provided, single submitter. Criteria: Invitae Variant Classification Sherloc (09022015). Collection method: clinical testing. Allele origin: germline.
Comment: This sequence change replaces serine, which is neutral and polar, with proline, which is neutral and non-polar, at codon 1824 of the COL12A1 protein (p.Ser1824Pro). This variant is not present in population databases (gnomAD no frequency). This variant has not been reported in the literature in individuals affected with COL12A1-related conditions. Invitae Evidence Modeling of protein sequence and biophysical properties (such as structural, functional, and spatial information, amino acid conservation, physicochemical variation, residue mobility, and thermodynamic stability) indicates that this missense variant is not expected to disrupt COL12A1 protein function with a negative predictive value of 80%. In summary, the available evidence is currently insufficient to determine the role of this variant in disease. Therefore, it has been classified as a Variant of Uncertain Significance.